The following is an entry in ClinVar:

ClinVar aggregate classification (germline): Benign/Likely benign. Review status: criteria provided, multiple submitters, no conflicts (2 of 4 stars). 4 submissions from 4 submitters: Benign (1); Likely benign (1). 2 of the submissions do not count toward it. Last evaluated 2026-06-01.

Conditions:
Oxoglutaricaciduria. Identifiers: Orphanet 31, MedGen C2752074, MONDO:0008759, OMIM 203740.
OGDH-related disorder. Also called: OGDH-related condition.

Allele frequency attached by ClinVar (database versions not stated): 1000 Genomes Project 0.00180; 1000 Genomes Project 30x 0.00203; TOPMed 0.00429; ESP Exome Variant Server 0.00607.
gnomAD v4.1: 10,885 of 1,602,400 alleles (0.68%); highest among the groups gnomAD compares: Non-Finnish European, 0.81%; 63 homozygotes.

Submissions (4):

CeGaT Center for Human Genetics Tuebingen
Classification: Likely benign. Last evaluated: 2026-06-01. Review status: criteria provided, single submitter. Criteria: CeGaT Center For Human Genetics Tuebingen Variant Classification Criteria Version 2. Collection method: clinical testing. Allele origin: germline. Affected: yes. Observed: 7 variant alleles.
Comment: OGDH: BP4, BP7, BS2

Labcorp Genetics (formerly Invitae), Labcorp
Classification: Benign for Oxoglutaricaciduria. Last evaluated: 2026-01-19. Review status: criteria provided, single submitter. Criteria: Invitae Variant Classification Sherloc (09022015). Collection method: clinical testing. Allele origin: germline.

PreventionGenetics, part of Exact Sciences
Classification: Benign for OGDH-related condition. Last evaluated: 2019-11-01. Review status: no assertion criteria provided. Collection method: clinical testing. Allele origin: germline. Not counted in ClinVar's aggregate classification.
Comment: This variant is classified as benign based on ACMG/AMP sequence variant interpretation guidelines (Richards et al. 2015 PMID: 25741868, with internal and published modifications).

Mayo Clinic Laboratories, Mayo Clinic
Classification: Likely benign. Last evaluated: 2016-02-26. Review status: no assertion criteria provided. Collection method: clinical testing. Allele origin: unknown. Not counted in ClinVar's aggregate classification.

NM_002541.4(OGDH):c.39A>C (p.Pro13=)

Gene: OGDH (oxoglutarate dehydrogenase; plus strand). Cytogenetic location: 7p13.
Variant type: single nucleotide variant.
Coding change: c.39A>C on transcript NM_002541.4 (MANE Select); coding-DNA position 39, A replaced by C.
Protein change: p.Pro13=; no amino-acid change (proline 13 retained).
Molecular consequence: synonymous variant.
Genome position (GRCh38, 1-based): chr7:44,624,382, A>C. VCF-style: chr7-44624382-A-C. GRCh37 (hg19) VCF-style: chr7-44663981-A-C.
Other names: c.39A>C, p.Pro13= (NM_001003941.3, NM_001165036.2, NM_001363523.2); c.39A>C (NM_001363523.1).
Identifiers: ClinVar variation 559267 (VCV000559267.38), dbSNP rs34777281, ClinGen allele CA4243446.